The following is an entry in ClinVar:

ClinVar aggregate classification (germline): Pathogenic (1 of 4 stars; one submission).

Conditions:
Multiple sulfatase deficiency (MSD). Also called: Mucosulfatidosis; Multiple Sulfatase Deficiency Disease; Sulfatidosis, Juvenile, Austin Type. Identifiers: Orphanet 585, MedGen C0268263, MONDO:0010088, OMIM 272200.

Submission:

Myriad Genetics, Inc.
Classification: Pathogenic for Multiple sulfatase deficiency. Last evaluated: 2025-04-10. Review status: criteria provided, single submitter. Criteria: Myriad Autosomal Dominant, Autosomal Recessive and X-Linked Classification Criteria (2023). Collection method: clinical testing. Allele origin: unknown.
Comment: NM_182760.3(SUMF1):c.217G>T(E73*) is a nonsense variant classified as pathogenic in the context of multiple sulfatase deficiency. E73* has not been observed in cases with relevant disease. Relevant functional assessments of this variant are not available in the literature. E73* has not been observed in referenced population frequency databases. In summary, NM_182760.3(SUMF1):c.217G>T(E73*) is a nonsense variant in a gene where loss of function is a known mechanism of disease and is predicted to disrupt protein function. Please note: this variant was assessed in the context of healthy population screening.

NM_182760.4(SUMF1):c.217G>T (p.Glu73Ter)

Genes: SUMF1 (sulfatase modifying factor 1; minus strand), LOC129936056 (ATAC-STARR-seq lymphoblastoid silent region 14016; plus strand). Cytogenetic location: 3p26.1.
Variant type: single nucleotide variant.
Coding change: c.217G>T on transcript NM_182760.4 (MANE Select); coding-DNA position 217, G replaced by T.
Protein change: p.Glu73Ter; replaces glutamic acid 73 with a stop codon.
Molecular consequence: nonsense.
Genome position (GRCh38, 1-based): chr3:4,467,029, C>A on the plus strand (G>T on the coding strand, the complement: SUMF1 is on the minus strand). VCF-style: chr3-4467029-C-A. GRCh37 (hg19) VCF-style: chr3-4508713-C-A.
Other names: c.217G>T, p.Glu73Ter (NM_001164674.2, NM_001164675.2); short protein forms E73*.
Identifiers: ClinVar variation 4081803 (VCV004081803.1).